The following is an entry in ClinVar:

NM_001844.5(COL2A1):c.409C>T (p.Arg137Cys)

Gene: COL2A1 (collagen type II alpha 1 chain; minus strand). Cytogenetic location: 12q13.11.
Variant type: single nucleotide variant.
Coding change: c.409C>T on transcript NM_001844.5 (MANE Select); coding-DNA position 409, C replaced by T.
Protein change: p.Arg137Cys; replaces arginine 137 with cysteine.
Molecular consequence: missense variant.
Genome position (GRCh38, 1-based): chr12:47,997,891, G>A on the plus strand (C>T on the coding strand, the complement: COL2A1 is on the minus strand). VCF-style: chr12-47997891-G-A. GRCh37 (hg19) VCF-style: chr12-48391674-G-A.
Other names: c.202C>T, p.Arg68Cys (NM_033150.3); short protein forms R137C, R68C.
Identifiers: ClinVar variation 1303475 (VCV001303475.8), dbSNP rs762357071, ClinGen allele CA6535950.

ClinVar aggregate classification (germline): Conflicting classifications of pathogenicity. Review status: criteria provided, conflicting classifications (1 of 4 stars). 3 submissions from 3 submitters: Uncertain significance (2); Likely benign (1). Last evaluated 2025-01-01.

Allele frequency attached by ClinVar (database versions not stated): gnomAD exomes 0.00001 and 0.00002; gnomAD 0.00002; TOPMed 0.00002; ExAC 0.00003.

Submissions (3):

Labcorp Genetics (formerly Invitae), Labcorp
Classification: Likely benign. Last evaluated: 2025-01-01. Review status: criteria provided, single submitter. Criteria: Invitae Variant Classification Sherloc (09022015). Collection method: clinical testing. Allele origin: germline.

Blueprint Genetics
Classification: Uncertain significance. Last evaluated: 2022-12-21. Review status: criteria provided, single submitter. Criteria: ACMG Guidelines, 2015. Collection method: clinical testing. Allele origin: germline.

GeneDx
Classification: Uncertain significance. Last evaluated: 2020-03-23. Review status: criteria provided, single submitter. Criteria: GeneDx Variant Classification Process June 2021. Collection method: clinical testing. Allele origin: germline. Affected: yes.
Comment: Identified in an individual with Achondrogenesis in published literature (Barat-Houari et al., 2016); Not observed at a significant frequency in large population cohorts (Lek et al., 2016); In silico analysis supports that this missense variant has a deleterious effect on protein structure/function; Not located in the triple helical region, where the majority of pathogenic missense variants occur (Stenson et al., 2014); This variant is associated with the following publications: (PMID: 26626311)